The following is an entry in ClinVar:

ClinVar aggregate classification (germline): Pathogenic (1 of 4 stars; one submission).

Conditions:
Wilson disease (WND). Also called: Wilson's disease. Identifiers: Orphanet 905, MedGen C0019202, MONDO:0010200, OMIM 277900. Disease mechanism: loss of function.

Submission:

Labcorp Genetics (formerly Invitae), Labcorp
Classification: Pathogenic for Wilson disease. Last evaluated: 2023-08-24. Review status: criteria provided, single submitter. Criteria: Invitae Variant Classification Sherloc (09022015). Collection method: clinical testing. Allele origin: germline.
Comment: This variant results in the deletion of exon 10 and part of exon 11 (c.2448-320_2594del) of the ATP7B gene. It is expected to disrupt RNA splicing. Variants that disrupt the donor or acceptor splice site typically lead to a loss of protein function (PMID: 16199547), and loss-of-function variants in ATP7B are known to be pathogenic (PMID: 10441329, 16283883). This variant has not been reported in the literature in individuals affected with ATP7B-related conditions. This variant disrupts a region of the ATP7B protein in which other variant(s) (p.Thr850Ile) have been determined to be pathogenic (PMID: 21034864, 27398169, 29321352). This suggests that this is a clinically significant region of the protein, and that variants that disrupt it are likely to be disease-causing. For these reasons, this variant has been classified as Pathogenic.

Literature cited by the submitters: PubMed 16199547; PubMed 10441329; PubMed 16283883; PubMed 21034864; PubMed 27398169; PubMed 29321352.

NC_000013.10:g.(?_52524279)_(52524855_?)del

Gene: ATP7B (ATPase copper transporting beta; minus strand). Cytogenetic location: 13q14.3.
Variant type: Deletion.
Identifiers: ClinVar variation 1459441 (VCV001459441.4).